The following is an entry in ClinVar:

ClinVar aggregate classification (germline): Uncertain significance. Review status: criteria provided, multiple submitters, no conflicts (2 of 4 stars). 2 submissions from 2 submitters: Uncertain significance (2). Last evaluated 2025-06-12.

Conditions:
Hereditary cancer-predisposing syndrome. Also called: Tumor predisposition; Neoplastic Syndromes, Hereditary; Hereditary Cancer Syndrome; Hereditary neoplastic syndrome. Identifiers: Orphanet 140162, MedGen C0027672, MeSH D009386, MONDO:0015356.

Submissions (2):

Labcorp Genetics (formerly Invitae), Labcorp
Classification: Uncertain significance. Last evaluated: 2025-06-12. Review status: criteria provided, single submitter. Criteria: Invitae Variant Classification Sherloc (09022015). Collection method: clinical testing. Allele origin: germline.
Comment: This sequence change replaces glutamic acid, which is acidic and polar, with glycine, which is neutral and non-polar, at codon 1048 of the POLE protein (p.Glu1048Gly). This variant is not present in population databases (gnomAD no frequency). This variant has not been reported in the literature in individuals affected with POLE-related conditions. ClinVar contains an entry for this variant (Variation ID: 1728110). Invitae Evidence Modeling of protein sequence and biophysical properties (such as structural, functional, and spatial information, amino acid conservation, physicochemical variation, residue mobility, and thermodynamic stability) indicates that this missense variant is not expected to disrupt POLE protein function with a negative predictive value of 80%. In summary, the available evidence is currently insufficient to determine the role of this variant in disease. Therefore, it has been classified as a Variant of Uncertain Significance.

Ambry Genetics
Classification: Uncertain significance for Hereditary cancer-predisposing syndrome. Last evaluated: 2022-03-12. Review status: criteria provided, single submitter. Criteria: Ambry Variant Classification Scheme 2023. Collection method: clinical testing. Allele origin: germline.
Comment: The p.E1048G variant (also known as c.3143A>G), located in coding exon 26 of the POLE gene, results from an A to G substitution at nucleotide position 3143. The glutamic acid at codon 1048 is replaced by glycine, an amino acid with similar properties. This amino acid position is conserved. In addition, the in silico prediction for this alteration is inconclusive. Since supporting evidence is limited at this time, the clinical significance of this alteration remains unclear.

NM_006231.4(POLE):c.3143A>G (p.Glu1048Gly)

Gene: POLE (DNA polymerase epsilon, catalytic subunit; minus strand). Cytogenetic location: 12q24.33.
Variant type: single nucleotide variant.
Coding change: c.3143A>G on transcript NM_006231.4 (MANE Select); coding-DNA position 3143, A replaced by G.
Protein change: p.Glu1048Gly; replaces glutamic acid 1048 with glycine.
Molecular consequence: missense variant.
Genome position (GRCh38, 1-based): chr12:132,659,427, T>C on the plus strand (A>G on the coding strand, the complement: POLE is on the minus strand). VCF-style: chr12-132659427-T-C. GRCh37 (hg19) VCF-style: chr12-133236013-T-C.
Other names: short protein forms E1048G.
Identifiers: ClinVar variation 1728110 (VCV001728110.7), dbSNP rs2542025908, ClinGen allele CA387390987.